The following is an entry in ClinVar:

NM_000238.4(KCNH2):c.2398+179G>A

Gene: KCNH2 (potassium voltage-gated channel subfamily H member 2; minus strand). Cytogenetic location: 7q36.1.
Variant type: single nucleotide variant.
Coding change: c.2398+179G>A on transcript NM_000238.4 (MANE Select); 179 bases into the intron after coding-DNA position 2398, G replaced by A.
Molecular consequence: intron variant. On other transcripts: synonymous variant (5).
Genome position (GRCh38, 1-based): chr7:150,949,989, C>T on the plus strand (G>A on the coding strand, the complement: KCNH2 is on the minus strand). VCF-style: chr7-150949989-C-T. GRCh37 (hg19) VCF-style: chr7-150647077-C-T.
Other names: p.T859T:ACG>ACA; c.1557G>A, p.Thr519= (NM_001204798.2); c.2400G>A, p.Thr800= (NM_001406755.1); c.2289G>A, p.Thr763= (NM_001406756.1); c.2277G>A, p.Thr759= (NM_001406757.1); c.2577G>A, p.Thr859= (NM_172056.3); c.2110+179G>A (NM_001406753.1); c.1378+179G>A (NM_172057.3).
Identifiers: ClinVar variation 200241 (VCV000200241.20), dbSNP rs373927190, ClinGen allele CA006630.

ClinVar aggregate classification (germline): Benign/Likely benign. Review status: criteria provided, multiple submitters, no conflicts (2 of 4 stars). 4 submissions from 4 submitters: Benign (1); Likely benign (3). Last evaluated 2025-01-01.

Conditions:
Cardiac arrhythmia. Also called: Arrhythmia; Cardiac rhythm disease. Identifiers: MedGen C0003811, MONDO:0007263, HP:0011675.

Allele frequency attached by ClinVar (database versions not stated): ExAC 0.00005; gnomAD 0.00007 and 0.00009; TOPMed 0.00010; ESP Exome Variant Server 0.00015.

Submissions (4):

CeGaT Center for Human Genetics Tuebingen
Classification: Likely benign. Last evaluated: 2025-01-01. Review status: criteria provided, single submitter. Criteria: CeGaT Center For Human Genetics Tuebingen Variant Classification Criteria Version 2. Collection method: clinical testing. Allele origin: germline. Affected: yes. Observed: 1 variant allele.
Comment: KCNH2: BP4, BP7

Blueprint Genetics
Classification: Likely benign. Last evaluated: 2022-04-19. Review status: criteria provided, single submitter. Criteria: ACMG Guidelines, 2015. Collection method: clinical testing. Allele origin: germline.

Color Diagnostics, LLC DBA Color Health
Classification: Likely benign for Arrhythmia. Last evaluated: 2018-11-16. Review status: criteria provided, single submitter. Criteria: ACMG Guidelines, 2015. Collection method: clinical testing. Allele origin: germline.

GeneDx
Classification: Benign. Last evaluated: 2013-07-03. Review status: criteria provided, single submitter. Criteria: GeneDx Variant Classification (06012015). Collection method: clinical testing. Allele origin: germline. Affected: yes.
Comment: This variant is considered likely benign or benign based on one or more of the following criteria: it is a conservative change, it occurs at a poorly conserved position in the protein, it is predicted to be benign by multiple in silico algorithms, and/or has population frequency not consistent with disease.